The following is an entry in ClinVar:

NM_021971.4(GMPPB):c.854_855del (p.Cys285fs)

Gene: GMPPB (GDP-mannose pyrophosphorylase B; minus strand). Cytogenetic location: 3p21.31.
Variant type: Microsatellite.
Coding change: c.854_855del on transcript NM_021971.4 (MANE Select); coding-DNA positions 854 to 855, 2 bases deleted (GT; older notation c.854_855delGT).
Protein change: p.Cys285fs; shifts the reading frame from cysteine 285.
Molecular consequence: frameshift variant.
Genome position (GRCh38, 1-based): chr3:49,722,061-49,722,062, AC deleted on the plus strand (GT on the coding strand, the reverse complement: GMPPB is on the minus strand); deleting any 2 consecutive bases within chr3:49,722,061-49,722,068 gives the same sequence; the c. name uses the placement nearest the transcript's 3' end. VCF-style (leftmost placement, unchanged base first): chr3-49722060-TAC-T. GRCh37 (hg19) VCF-style: chr3-49759493-TAC-T.
Other names: c.854_855del, p.Cys285fs (NM_013334.4); short protein forms C285fs.
Identifiers: ClinVar variation 2151975 (VCV002151975.4), dbSNP rs2080421905, ClinGen allele CA1047775044.
Genomic context (GRCh38, chr3:49,722,060, plus strand): 5'-AGGACTCAAGCCAGGAATGGGAACGGATCCGGGCATCCCGCAGCACCGTGCACCGCCGGA[TAC>T]ACACACCATCTTCGACCACCACGCCAGGTCCCAGGCTCACATTGGGGCCAATGCTGCAGT-3'

ClinVar aggregate classification (germline): Pathogenic (1 of 4 stars; one submission).

Conditions:
Muscular dystrophy-dystroglycanopathy (congenital with impaired intellectual development), type B, 14. Also called: Muscular dystrophy-dystroglycanopathy (congenital with intellectual disability), type B14; MUSCULAR DYSTROPHY, CONGENITAL, GMPPB-RELATED; Congenital muscular dystrophy-dystroglycanopathy with mental retardation, type B14. Identifiers: MedGen C3809221, MONDO:0014141, OMIM 615351.
Muscular dystrophy-dystroglycanopathy (congenital with brain and eye anomalies), type A14. Also called: WALKER-WARBURG SYNDROME OR MUSCLE-EYE-BRAIN DISEASE, GMPPB-RELATED; Muscular dystrophy-dystroglycanopathy (congenital with brain and eye anomalies), type a, 14; Congenital Muscular Dystrophy-Dystroglycanopathy with Brain and Eye Anomalies Type A 14; Congenital muscular dystrophy-dystroglycanopathy with brain and eye anomalies, type A14. Identifiers: Orphanet 588, MedGen C3809216, MONDO:0014140, OMIM 615350.
Autosomal recessive limb-girdle muscular dystrophy type 2T. Also called: MUSCULAR DYSTROPHY-DYSTROGLYCANOPATHY, LIMB-GIRDLE, GMPPB-RELATED; MUSCULAR DYSTROPHY, LIMB-GIRDLE, TYPE 2T; Muscular dystrophy-dystroglycanopathy (limb-girdle), type c, 14; Limb-girdle muscular dystrophy-dystroglycanopathy, type C14. Identifiers: Orphanet 363623, MedGen C4518000, MONDO:0014142, OMIM 615352.

Submission:

Labcorp Genetics (formerly Invitae), Labcorp
Classification: Pathogenic for Autosomal recessive limb-girdle muscular dystrophy type 2T; Muscular dystrophy-dystroglycanopathy (congenital with brain and eye anomalies), type A14; Muscular dystrophy-dystroglycanopathy (congenital with impaired intellectual development), type B, 14. Last evaluated: 2022-03-09. Review status: criteria provided, single submitter. Criteria: Invitae Variant Classification Sherloc (09022015). Collection method: clinical testing. Allele origin: germline.
Comment: This sequence change creates a premature translational stop signal (p.Cys285Tyrfs*19) in the GMPPB gene. While this is not anticipated to result in nonsense mediated decay, it is expected to disrupt the last 76 amino acid(s) of the GMPPB protein. This variant disrupts a region of the GMPPB protein in which other variant(s) (p.Arg357His) have been determined to be pathogenic (PMID: 28433477, 33756069). This suggests that this is a clinically significant region of the protein, and that variants that disrupt it are likely to be disease-causing. This premature translational stop signal has been observed in individual(s) with clinical features of GMPPB-related conditions (PMID: 30257713). This variant is not present in population databases (gnomAD no frequency). Algorithms developed to predict the effect of sequence changes on RNA splicing suggest that this variant may create or strengthen a splice site. For these reasons, this variant has been classified as Pathogenic.

Literature cited by the submitters: PubMed 28433477; PubMed 33756069; PubMed 30257713.